The following is an entry in ClinVar:

NM_000135.4(FANCA):c.3009T>G (p.Asn1003Lys)

Gene: FANCA (FA complementation group A; minus strand). Cytogenetic location: 16q24.3.
Variant type: single nucleotide variant.
Coding change: c.3009T>G on transcript NM_000135.4 (MANE Select); coding-DNA position 3009, T replaced by G.
Protein change: p.Asn1003Lys; replaces asparagine 1003 with lysine.
Molecular consequence: missense variant.
Genome position (GRCh38, 1-based): chr16:89,752,195, A>C on the plus strand (T>G on the coding strand, the complement: FANCA is on the minus strand). VCF-style: chr16-89752195-A-C. GRCh37 (hg19) VCF-style: chr16-89818603-A-C.
Other names: c.3009T>G, p.Asn1003Lys (NM_001286167.3); short protein forms N1003K.
Identifiers: ClinVar variation 4022255 (VCV004022255.1).
Genomic context (GRCh38, chr16:89,752,195, plus strand): 5'-CACCTGCAATCTGGAAATAATATCCTCATTTCCTGTGCGGCCACCAAAGACCAAATCAGA[A>C]TTTTCTGAGTGGTCATAACTCCTTGAGCTGAAATGAAAATACAATAAAATCCTCCTCAGT-3'
Protein context (NP_000126.2, residues 993-1013): QSSRSYDHSE[Asn1003Lys]SDLVFGGRTG

ClinVar aggregate classification (germline): Uncertain significance (1 of 4 stars; one submission).

Conditions:
Inborn genetic diseases. Identifiers: MedGen C0950123, MeSH D030342.

gnomAD v4.1: 1 of 1,614,118 alleles (0.000062%); highest among the groups gnomAD compares: Non-Finnish European, 0.000085%; no homozygotes.

Submission:

Ambry Genetics
Classification: Uncertain significance for Inborn genetic diseases. Last evaluated: 2025-05-10. Review status: criteria provided, single submitter. Criteria: Ambry Variant Classification Scheme 2023. Collection method: clinical testing. Allele origin: germline.
Comment: The p.N1003K variant (also known as c.3009T>G), located in coding exon 31 of the FANCA gene, results from a T to G substitution at nucleotide position 3009. The asparagine at codon 1003 is replaced by lysine, an amino acid with similar properties. This amino acid position is conserved. In addition, this alteration is predicted to be tolerated by in silico analysis. Based on the available evidence, the clinical significance of this variant remains unclear.